The following is an entry in ClinVar:

ClinVar aggregate classification (germline): Likely pathogenic (1 of 4 stars; one submission).

Conditions:
Dystonia 12 (DYT12). Also called: DYT-ATP1A3; Rapid-Onset Dystonia-Parkinsonism (RDP). Identifiers: Orphanet 71517, MedGen C1868681, MONDO:0007496, OMIM 128235.

Submission:

Labcorp Genetics (formerly Invitae), Labcorp
Classification: Likely pathogenic for Dystonia 12. Last evaluated: 2023-07-17. Review status: criteria provided, single submitter. Criteria: Invitae Variant Classification Sherloc (09022015). Collection method: clinical testing. Allele origin: germline.
Comment: In summary, the currently available evidence indicates that the variant is pathogenic, but additional data are needed to prove that conclusively. Therefore, this variant has been classified as Likely Pathogenic. This variant disrupts the p.Gly803 amino acid residue in ATP1A3. Other variant(s) that disrupt this residue have been determined to be pathogenic (Invitae). This suggests that this residue is clinically significant, and that variants that disrupt this residue are likely to be disease-causing. Advanced modeling of protein sequence and biophysical properties (such as structural, functional, and spatial information, amino acid conservation, physicochemical variation, residue mobility, and thermodynamic stability) performed at Invitae indicates that this missense variant is expected to disrupt ATP1A3 protein function. ClinVar contains an entry for this variant (Variation ID: 852114). This missense change has been observed in individual(s) with alternating hemiplegia (Invitae). This variant is not present in population databases (gnomAD no frequency). This sequence change replaces glycine, which is neutral and non-polar, with arginine, which is basic and polar, at codon 803 of the ATP1A3 protein (p.Gly803Arg).

NM_152296.5(ATP1A3):c.2407G>C (p.Gly803Arg)

Gene: ATP1A3 (ATPase Na+/K+ transporting subunit alpha 3; minus strand). Cytogenetic location: 19q13.2.
Variant type: single nucleotide variant.
Coding change: c.2407G>C on transcript NM_152296.5 (MANE Select); coding-DNA position 2407, G replaced by C.
Protein change: p.Gly803Arg; replaces glycine 803 with arginine.
Molecular consequence: missense variant.
Genome position (GRCh38, 1-based): chr19:41,970,399, C>G on the plus strand (G>C on the coding strand, the complement: ATP1A3 is on the minus strand). VCF-style: chr19-41970399-C-G. GRCh37 (hg19) VCF-style: chr19-42474551-C-G.
Other names: c.2440G>C, p.Gly814Arg (NM_001256213.2); c.2446G>C, p.Gly816Arg (NM_001256214.2); short protein forms G814R, G816R, G803R.
Identifiers: ClinVar variation 852114 (VCV000852114.9), dbSNP rs2075090666, ClinGen allele CA406039255.
Genomic context (GRCh38, chr19:41,970,399, plus strand): 5'-GGGGAGGACTCCACCCTCCTGGGCCCCAAGGGTGGCTGCCAGGGCTCACCATGTCAGTGC[C>G]CAGATCGATGCAGAGGATGGTGATGGTGCCCAGGGGCAGCGGGATGTTGGCCATGATGAA-3'
Protein context (NP_689509.1, residues 793-813): GTITILCIDL[Gly803Arg]TDMVPAISLA